The following is an entry in ClinVar:

NM_005228.5(EGFR):c.1532C>A (p.Ser511Tyr)

Gene: EGFR (epidermal growth factor receptor; plus strand). Cytogenetic location: 7p11.2.
Variant type: single nucleotide variant.
Coding change: c.1532C>A on transcript NM_005228.5 (MANE Select); coding-DNA position 1532, C replaced by A.
Protein change: p.Ser511Tyr; replaces serine 511 with tyrosine.
Molecular consequence: missense variant.
Genome position (GRCh38, 1-based): chr7:55,161,532, C>A. VCF-style: chr7-55161532-C-A. GRCh37 (hg19) VCF-style: chr7-55229225-C-A.
Other names: c.1397C>A, p.Ser466Tyr (NM_001346897.2, NM_001346899.2); c.1532C>A, p.Ser511Tyr (NM_001346898.2, NM_201282.2, NM_201284.2); c.1373C>A, p.Ser458Tyr (NM_001346900.2); c.731C>A, p.Ser244Tyr (NM_001346941.2); short protein forms S466Y, S511Y, S244Y, S458Y.
Identifiers: ClinVar variation 854259 (VCV000854259.13), dbSNP rs371114444, ClinGen allele CA4265607.

ClinVar aggregate classification (germline): Conflicting classifications of pathogenicity. Review status: criteria provided, conflicting classifications (1 of 4 stars). 6 submissions from 6 submitters: Uncertain significance (4); Likely benign (1). 1 of the submissions does not count toward it. Last evaluated 2026-08-17.

Conditions:
EGFR-related lung cancer (EGFR). Identifiers: MedGen CN130014.
EGFR-related disorder. Also called: EGFR-related condition.
Lung cancer. Also called: Lung cancer, somatic; Malignant tumor of lung. Identifiers: MedGen C0242379, MONDO:0008903, OMIM 211980.
Hereditary cancer-predisposing syndrome. Also called: Hereditary Cancer Syndrome; Hereditary neoplastic syndrome; Tumor predisposition; Neoplastic Syndromes, Hereditary. Identifiers: Orphanet 140162, MedGen C0027672, MeSH D009386, MONDO:0015356.

Allele frequency attached by ClinVar (database versions not stated): gnomAD 0.00007; TOPMed 0.00007; gnomAD exomes 0.00011 and 0.00016; ExAC 0.00014; ESP Exome Variant Server 0.00015.

Submissions (6):

GeneDx
Classification: Uncertain significance. Last evaluated: 2026-08-17. Review status: criteria provided, single submitter. Criteria: GeneDx Variant Classification Process June 2021. Collection method: clinical testing. Allele origin: germline.
Comment: In silico analysis supports that this missense variant has a deleterious effect on protein structure/function; Has not been previously published as pathogenic or benign to our knowledge

Labcorp Genetics (formerly Invitae), Labcorp
Classification: Uncertain significance for EGFR-related lung cancer. Last evaluated: 2025-12-10. Review status: criteria provided, single submitter. Criteria: Invitae Variant Classification Sherloc (09022015). Collection method: clinical testing. Allele origin: germline.
Comment: This sequence change replaces serine, which is neutral and polar, with tyrosine, which is neutral and polar, at codon 511 of the EGFR protein (p.Ser511Tyr). This variant is present in population databases (rs371114444, gnomAD 0.02%). This variant has not been reported in the literature in individuals affected with EGFR-related conditions. ClinVar contains an entry for this variant (Variation ID: 854259). Invitae Evidence Modeling of protein sequence and biophysical properties (such as structural, functional, and spatial information, amino acid conservation, physicochemical variation, residue mobility, and thermodynamic stability) has been performed for this missense variant. However, the output from this modeling did not meet the statistical confidence thresholds required to predict the impact of this variant on EGFR protein function. In summary, the available evidence is currently insufficient to determine the role of this variant in disease. Therefore, it has been classified as a Variant of Uncertain Significance.

Ambry Genetics
Classification: Likely benign for Hereditary cancer-predisposing syndrome. Last evaluated: 2024-10-28. Review status: criteria provided, single submitter. Criteria: Ambry Variant Classification Scheme 2023. Collection method: clinical testing. Allele origin: germline.

Sema4
Classification: Uncertain significance for Hereditary cancer-predisposing syndrome. Last evaluated: 2021-09-03. Review status: criteria provided, single submitter. Criteria: Sema4 Curation Guidelines. Collection method: curation. Allele origin: germline.
Comment: The EGFR c.1532C>A (p.S511Y) variant has not been reported in literature to our knowledge. This variant was observed in 25/129120 chromosomes in the Non-Finnish European population according to the Genome Aggregation Database (PMID: 32461654). This variant has been reported in ClinVar (Variation ID 854259). Functional studies have not been performed, and in silico predictions of the variant's effect on protein function are inconclusive. The overall evidence is insufficient to meet ACMG/AMP criteria for classifying it as benign or pathogenic. In summary, the clinical significance of this variant is currently uncertain.

Baylor Genetics
Classification: Uncertain significance for Lung cancer. Last evaluated: 2020-06-30. Review status: criteria provided, single submitter. Criteria: ACMG Guidelines, 2015. Collection method: clinical testing. Allele origin: maternal. Affected: yes. Study: CSER-TexasKidsCanSeq.
Comment: This variant was determined to be of uncertain significance according to ACMG Guidelines, 2015 [PMID:25741868].

PreventionGenetics, part of Exact Sciences
Classification: Uncertain significance for EGFR-related condition. Last evaluated: 2024-03-13. Review status: no assertion criteria provided. Collection method: clinical testing. Allele origin: germline. Not counted in ClinVar's aggregate classification.
Comment: The EGFR c.1532C>A variant is predicted to result in the amino acid substitution p.Ser511Tyr. To our knowledge, this variant has not been reported in the literature. This variant is reported in 0.019% of alleles in individuals of European (Non-Finnish) descent in gnomAD. This variant is interpreted as a variant of uncertain significance in ClinVar. At this time, the clinical significance of this variant is uncertain due to the absence of conclusive functional and genetic evidence.